The following is an entry in ClinVar:

ClinVar aggregate classification (germline): Pathogenic. Review status: criteria provided, multiple submitters, no conflicts (2 of 4 stars). 5 submissions from 5 submitters: Pathogenic (4). 1 of the submissions does not count toward it. Last evaluated 2025-07-20.

Conditions:
CYP21A2-related disorder. Also called: CYP21A2-related condition.
21-Hydroxylase-Deficient Congenital Adrenal Hyperplasia. Also called: ADRENAL HYPERPLASIA III; ADRENAL HYPERPLASIA, CONGENITAL, DUE TO 21-HYDROXYLASE DEFICIENCY. Identifiers: MedGen C2936858, OMIM 201910.

Allele frequency attached by ClinVar (database versions not stated): gnomAD 0.00001.

Submissions (5):

Dasa
Classification: Pathogenic. Last evaluated: 2025-07-20. Review status: criteria provided, single submitter. Criteria: DASA Assertion Criteria. Collection method: clinical testing. Allele origin: germline.
Comment: NM_000500.9(CYP21A2):c.1280G>A (p.Arg427His) is a missense variant that results in the substitution of arginine with histidine. Functional evidence supports a deleterious effect on the gene or gene product. Multiple computational predictions support a deleterious effect on the gene or gene product. The variant is present at low frequency in population datasets. Based on the available data, this variant is classified as pathogenic.

Hema, HEMA – Genetic and Molecular Diagnostic Laboratory
Classification: Pathogenic for 21-Hydroxylase-Deficient Congenital Adrenal Hyperplasia. Last evaluated: 2025-04-03. Review status: criteria provided, single submitter. Criteria: HEMA Variant Classification Assertion Criteria. Collection method: clinical testing. Allele origin: germline.
Comment: It is a transition from guanine to adenine, resulting in the substitution of arginine 427 by histidine. Previously, this variant was known as Arg426His. PS3: Functional studies showed that the variant affects protein function (PMID: 11600539, 16541276, 16984992). PM2_Supporting: Present at very low frequency in the gnomAD v4.1.0 database. PM3_VeryStrong: The variant has been reported in the heterozygous state in compound heterozygosity with pathogenic variants in CYP21A2 in at least 14 individuals with congenital adrenal hyperplasia (PMID: 11600539, 21609351, 27041116, 27185867, 27978607, 30995443, 33809035, 39810276). PM5: Missense variant at an amino acid where another amino acid change (Arg427Cys) is classified as pathogenic. PP1_Moderate: The variant cosegregated with congenital adrenal hyperplasia in two affected individuals (PMID: 11600539). PP3: The computational meta-predictor score REVEL = 0.653 ≥ 0.644, indicating that the variant would affect the function of the CYP21A2 protein.

PreventionGenetics, part of Exact Sciences
Classification: Pathogenic for CYP21A2-related condition. Last evaluated: 2022-09-25. Review status: criteria provided, single submitter. Criteria: ACMG Guidelines, 2015. Collection method: clinical testing. Allele origin: germline.
Comment: The CYP21A2 c.1280G>A variant is predicted to result in the amino acid substitution p.Arg427His. This variant has been reported to be associated with classic congenital adrenal hyperplasia (CAH) due to significantly decreased enzyme activity (also known as R426H; reported in three sisters with simple virilizing CAH at Baumgartner-Parzer et al. 2001. PubMed ID: 11600539; reported in a salt-wasting CAH patient at Xu et al. 2019. PubMed ID: 30995443). This variant could be a naturally occurring variant in the CYP21A2 gene or a rare deleterious variant originated from the pseudogene CYP21A1P via gene conversion. This variant is interpreted as pathogenic.

Labcorp Genetics (formerly Invitae), Labcorp
Classification: Pathogenic. Last evaluated: 2021-11-19. Review status: criteria provided, single submitter. Criteria: Invitae Variant Classification Sherloc (09022015). Collection method: clinical testing. Allele origin: germline.
Comment: This sequence change replaces arginine, which is basic and polar, with histidine, which is basic and polar, at codon 427 of the CYP21A2 protein (p.Arg427His). The frequency data for this variant in the population databases (gnomAD) is considered unreliable due to the presence of homologous sequence, such as pseudogenes or paralogs, in the genome. This missense change has been observed in individual(s) with classic salt-wasting and/or simple virilizing congenital adrenal hyperplasia due to 21-hydroxylase deficiency (PMID: 11600539, 30995443). It has also been observed to segregate with disease in related individuals. This variant is also known as R426H. ClinVar contains an entry for this variant (Variation ID: 12175). Advanced modeling of protein sequence and biophysical properties (such as structural, functional, and spatial information, amino acid conservation, physicochemical variation, residue mobility, and thermodynamic stability) performed at Invitae indicates that this missense variant is expected to disrupt CYP21A2 protein function. Experimental studies have shown that this missense change affects CYP21A2 function (PMID: 11600539). This variant disrupts the p.Arg427 amino acid residue in CYP21A2. Other variant(s) that disrupt this residue have been determined to be pathogenic (PMID: 12213891, 18381579, 30995443). This suggests that this residue is clinically significant, and that variants that disrupt this residue are likely to be disease-causing. For these reasons, this variant has been classified as Pathogenic.

OMIM
Classification: Pathogenic for ADRENAL HYPERPLASIA, CONGENITAL, DUE TO 21-HYDROXYLASE DEFICIENCY, CLASSIC TYPE. Last evaluated: 2001-10-01. Review status: no assertion criteria provided. Collection method: literature only. Allele origin: germline. Not counted in ClinVar's aggregate classification.

Literature cited by the submitters: PubMed 11600539 (cited by 3 submitters); PubMed 16541276 (cited by Hema, HEMA – Genetic and Molecular Diagnostic Laboratory); PubMed 16984992 (cited by Hema, HEMA – Genetic and Molecular Diagnostic Laboratory); PubMed 21609351 (cited by Hema, HEMA – Genetic and Molecular Diagnostic Laboratory); PubMed 27041116 (cited by Hema, HEMA – Genetic and Molecular Diagnostic Laboratory); PubMed 27185867 (cited by Hema, HEMA – Genetic and Molecular Diagnostic Laboratory); PubMed 27978607 (cited by Hema, HEMA – Genetic and Molecular Diagnostic Laboratory); PubMed 30995443 (cited by Hema, HEMA – Genetic and Molecular Diagnostic Laboratory and Labcorp Genetics (formerly Invitae), Labcorp); PubMed 33809035 (cited by Hema, HEMA – Genetic and Molecular Diagnostic Laboratory); PubMed 39810276 (cited by Hema, HEMA – Genetic and Molecular Diagnostic Laboratory); PubMed 12213891 (cited by Labcorp Genetics (formerly Invitae), Labcorp); PubMed 18381579 (cited by Labcorp Genetics (formerly Invitae), Labcorp).

NM_000500.9(CYP21A2):c.1280G>A (p.Arg427His)

Genes: CYP21A2 (cytochrome P450 family 21 subfamily A member 2; plus strand), LOC106780800 (CYP21A2 recombination region; plus strand). Cytogenetic location: 6p21.33.
Variant type: single nucleotide variant.
Coding change: c.1280G>A on transcript NM_000500.9 (MANE Select); coding-DNA position 1280, G replaced by A.
Protein change: p.Arg427His; replaces arginine 427 with histidine.
Molecular consequence: missense variant.
Genome position (GRCh38, 1-based): chr6:32,040,926, G>A. VCF-style: chr6-32040926-G-A. GRCh37 (hg19) VCF-style: chr6-32008703-G-A.
Other names: R426H; c.1190G>A, p.Arg397His (NM_001128590.4); c.875G>A, p.Arg292His (NM_001368143.2, NM_001368144.2); short protein forms R292H, R397H, R427H.
Identifiers: ClinVar variation 12175 (VCV000012175.6), dbSNP rs151344504, ClinGen allele CA136895676.